The following is an entry in ClinVar:

NM_002890.3(RASA1):c.2027A>C (p.Gln676Pro)

Genes: CCNH (cyclin H; minus strand), RASA1 (RAS p21 protein activator 1; plus strand). Cytogenetic location: 5q14.3.
Variant type: single nucleotide variant.
Coding change: c.2027A>C on transcript NM_002890.3 (MANE Select); coding-DNA position 2027, A replaced by C.
Protein change: p.Gln676Pro; replaces glutamine 676 with proline.
Molecular consequence: missense variant. On other transcripts: intron variant (1).
Genome position (GRCh38, 1-based): chr5:87,376,408, A>C. VCF-style: chr5-87376408-A-C. GRCh37 (hg19) VCF-style: chr5-86672225-A-C.
Other names: c.1496A>C, p.Gln499Pro (NM_022650.3); c.933+18636T>G (NM_001364075.2); short protein forms Q676P, Q499P.
Identifiers: ClinVar variation 1389958 (VCV001389958.8), dbSNP rs1425470015, ClinGen allele CA360378047.
Genomic context (GRCh38, chr5:87,376,408, plus strand): 5'-TCGTGTTCTCTTTTTAAACAATAATTGCTTGTTTTTCTTCCCAAGTATTTATGCGCTGCC[A>C]GTTGAGCCGATTACAGAAAGGGCATGCCACAGATGAATGGTTTCTGCTCAGCTCCCATAT-3'
Protein context (NP_002881.1, residues 666-686): KDPDILFMRC[Gln676Pro]LSRLQKGHAT

ClinVar aggregate classification (germline): Uncertain significance (1 of 4 stars; one submission).

Conditions:
Capillary malformation-arteriovenous malformation syndrome. Also called: Capillary malformation-arteriovenous malformation. Identifiers: Orphanet 137667, MedGen C1842180, MONDO:0012016.

Submission:

Labcorp Genetics (formerly Invitae), Labcorp
Classification: Uncertain significance for Capillary malformation-arteriovenous malformation syndrome. Last evaluated: 2021-09-08. Review status: criteria provided, single submitter. Criteria: Invitae Variant Classification Sherloc (09022015). Collection method: clinical testing. Allele origin: germline.
Comment: In summary, the available evidence is currently insufficient to determine the role of this variant in disease. Therefore, it has been classified as a Variant of Uncertain Significance. Algorithms developed to predict the effect of missense changes on protein structure and function (SIFT, PolyPhen-2, Align-GVGD) all suggest that this variant is likely to be tolerated, but these predictions have not been confirmed by published functional studies and their clinical significance is uncertain. This variant has not been reported in the literature in individuals with RASA1-related conditions. This variant is not present in population databases (ExAC no frequency). This sequence change replaces glutamine with proline at codon 676 of the RASA1 protein (p.Gln676Pro). The glutamine residue is highly conserved and there is a moderate physicochemical difference between glutamine and proline.